The following is an entry in ClinVar:

ClinVar aggregate classification (germline): Likely benign. Review status: criteria provided, multiple submitters, no conflicts (2 of 4 stars). 2 submissions from 2 submitters: Likely benign (2). Last evaluated 2025-06-10.

Conditions:
SPG11-related disorder. Also called: SPG11-related condition.
Hereditary spastic paraplegia 11. Also called: Spastic Paraplegia 11; Nakamura Osame syndrome; Autosomal recessive hereditary spastic paraplegia, mental impairment, and thin corpus callosum; Spastic paraplegia, mental retardation and thin corpus callosum; SPASTIC PARAPLEGIA, AUTOSOMAL RECESSIVE, COMPLICATED, WITH THIN CORPUS CALLOSUM; SPASTIC PARAPLEGIA, AUTOSOMAL RECESSIVE, WITH MENTAL IMPAIRMENT AND THIN CORPUS CALLOSUM. Identifiers: Orphanet 2822, MedGen C1858479, MONDO:0011445, OMIM 604360.

Allele frequency attached by ClinVar (database versions not stated): gnomAD exomes 0.00001 and 0.00002; TOPMed 0.00001; gnomAD 0.00001.
gnomAD v4.1: 25 of 1,613,926 alleles (0.0015%); highest among the groups gnomAD compares: East Asian, 0.0022%; no homozygotes.

Submissions (2):

PreventionGenetics, part of Exact Sciences
Classification: Likely benign for SPG11-related condition. Last evaluated: 2025-06-10. Review status: criteria provided, single submitter. Criteria: ACMG Guidelines, 2015. Collection method: clinical testing. Allele origin: germline.
Comment: This variant is classified as likely benign based on ACMG/AMP sequence variant interpretation guidelines (Richards et al. 2015 PMID: 25741868, with internal and published modifications).

Labcorp Genetics (formerly Invitae), Labcorp
Classification: Likely benign for Hereditary spastic paraplegia 11. Last evaluated: 2024-08-20. Review status: criteria provided, single submitter. Criteria: Invitae Variant Classification Sherloc (09022015). Collection method: clinical testing. Allele origin: germline.

NM_025137.4(SPG11):c.4992C>T (p.Tyr1664=)

Gene: SPG11 (SPG11 vesicle trafficking associated, spatacsin; minus strand). Cytogenetic location: 15q21.1.
Variant type: single nucleotide variant.
Coding change: c.4992C>T on transcript NM_025137.4 (MANE Select); coding-DNA position 4992, C replaced by T.
Protein change: p.Tyr1664=; no amino-acid change (tyrosine 1664 retained).
Molecular consequence: synonymous variant.
Genome position (GRCh38, 1-based): chr15:44,585,765, G>A on the plus strand (C>T on the coding strand, the complement: SPG11 is on the minus strand). VCF-style: chr15-44585765-G-A. GRCh37 (hg19) VCF-style: chr15-44877963-G-A.
Other names: c.4992C>T (NM_025137.3); c.4992C>T, p.Tyr1664= (NM_001160227.2).
Identifiers: ClinVar variation 1097607 (VCV001097607.10), dbSNP rs933291966, ClinGen allele CA270081788.
Genomic context (GRCh38, chr15:44,585,765, plus strand): 5'-TCCATCTGTCTGCAGTCTTTCCAAAATAGATCTACATTCATGCTGAAGATTCTCAATGCT[G>A]TAGCTGGTAATAATTGTATGATTAATGGCTATGGATGTATCCTTCAAAATCTGGCAAAGG-3'
Protein context (NP_079413.3, residues 1654-1674): IAINHTIITS[Tyr1664=]SIENLQHECR